The following is an entry in ClinVar:

NM_006420.3(ARFGEF2):c.3870G>A (p.Ala1290=)

Gene: ARFGEF2 (ARF guanine nucleotide exchange factor 2; plus strand). Cytogenetic location: 20q13.13.
Variant type: single nucleotide variant.
Coding change: c.3870G>A on transcript NM_006420.3 (MANE Select); coding-DNA position 3870, G replaced by A.
Protein change: p.Ala1290=; no amino-acid change (alanine 1290 retained).
Molecular consequence: synonymous variant.
Genome position (GRCh38, 1-based): chr20:49,012,036, G>A. VCF-style: chr20-49012036-G-A. GRCh37 (hg19) VCF-style: chr20-47628573-G-A.
Identifiers: ClinVar variation 515325 (VCV000515325.5), dbSNP rs141973402, ClinGen allele CA9899058.
Genomic context (GRCh38, chr20:49,012,036, plus strand): 5'-TGTGAAGTGCTTATCAGAGTTCGCCTGCAACGCCGCTTTCCCTGACACGAGCATGGAAGC[G>A]ATTCGGCTCATCCGCTTCTGTGGCAAATACGTCTCTGAGAGGCCTCGGGTTCGTTTTTCC-3'
Protein context (NP_006411.2, residues 1280-1300): NAAFPDTSME[Ala1290=]IRLIRFCGKY

ClinVar aggregate classification (germline): Likely benign. Review status: criteria provided, multiple submitters, no conflicts (2 of 4 stars). 2 submissions from 2 submitters: Likely benign (2). Last evaluated 2025-12-03.

Allele frequency attached by ClinVar (database versions not stated): gnomAD exomes 0.00005; ExAC 0.00008; ESP Exome Variant Server 0.00008; TOPMed 0.00008.
gnomAD v4.1: 37 of 1,614,106 alleles (0.0023%); highest among the groups gnomAD compares: South Asian, 0.02%; no homozygotes.

Submissions (2):

Labcorp Genetics (formerly Invitae), Labcorp
Classification: Likely benign. Last evaluated: 2025-12-03. Review status: criteria provided, single submitter. Criteria: Invitae Variant Classification Sherloc (09022015). Collection method: clinical testing. Allele origin: germline.

GeneDx
Classification: Likely benign. Last evaluated: 2018-02-15. Review status: criteria provided, single submitter. Criteria: GeneDx Variant Classification (06012015). Collection method: clinical testing. Allele origin: germline. Affected: yes.
Comment: This variant is considered likely benign or benign based on one or more of the following criteria: it is a conservative change, it occurs at a poorly conserved position in the protein, it is predicted to be benign by multiple in silico algorithms, and/or has population frequency not consistent with disease.